The following is an entry in ClinVar:

NM_206933.4(USH2A):c.11326T>C (p.Tyr3776His)

Gene: USH2A (usherin; minus strand). Cytogenetic location: 1q41.
Variant type: single nucleotide variant.
Coding change: c.11326T>C on transcript NM_206933.4 (MANE Select); coding-DNA position 11326, T replaced by C.
Protein change: p.Tyr3776His; replaces tyrosine 3776 with histidine.
Molecular consequence: missense variant.
Genome position (GRCh38, 1-based): chr1:215,758,658, A>G on the plus strand (T>C on the coding strand, the complement: USH2A is on the minus strand). VCF-style: chr1-215758658-A-G. GRCh37 (hg19) VCF-style: chr1-215932000-A-G.
Other names: short protein forms Y3776H.
Identifiers: ClinVar variation 1365577 (VCV001365577.6), dbSNP rs2102741250, ClinGen allele CA344820654.

ClinVar aggregate classification (germline): Uncertain significance (1 of 4 stars; one submission).

Submission:

Labcorp Genetics (formerly Invitae), Labcorp
Classification: Uncertain significance. Last evaluated: 2021-09-04. Review status: criteria provided, single submitter. Criteria: Invitae Variant Classification Sherloc (09022015). Collection method: clinical testing. Allele origin: germline.
Comment: Algorithms developed to predict the effect of missense changes on protein structure and function output the following: SIFT: "Tolerated"; PolyPhen-2: "Benign"; Align-GVGD: "Class C0". The histidine amino acid residue is found in multiple mammalian species, which suggests that this missense change does not adversely affect protein function. In summary, the available evidence is currently insufficient to determine the role of this variant in disease. Therefore, it has been classified as a Variant of Uncertain Significance. This variant has not been reported in the literature in individuals affected with USH2A-related conditions. This variant is not present in population databases (ExAC no frequency). This sequence change replaces tyrosine with histidine at codon 3776 of the USH2A protein (p.Tyr3776His). The tyrosine residue is weakly conserved and there is a moderate physicochemical difference between tyrosine and histidine.